The following is an entry in ClinVar:

NM_033225.6(CSMD1):c.624C>A (p.Cys208Ter)

Gene: CSMD1 (CUB and Sushi multiple domains 1; minus strand). Cytogenetic location: 8p23.2.
Variant type: single nucleotide variant.
Coding change: c.624C>A on transcript NM_033225.6 (MANE Select); coding-DNA position 624, C replaced by A.
Protein change: p.Cys208Ter; replaces cysteine 208 with a stop codon.
Molecular consequence: nonsense.
Genome position (GRCh38, 1-based): chr8:3,998,097, G>T on the plus strand (C>A on the coding strand, the complement: CSMD1 is on the minus strand). VCF-style: chr8-3998097-G-T. GRCh37 (hg19) VCF-style: chr8-3855619-G-T.
Other names: short protein forms C208*.
Identifiers: ClinVar variation 3344830 (VCV003344830.2).
Genomic context (GRCh38, chr8:3,998,097, plus strand): 5'-GTACTCTGAAGGGAAGTGCGGGCTGGAGATGGAGCTGCTGGTCCCGCGTAAGGTTCCTCC[G>T]CAGGCTCCCTCAGCTGCAGGGGCAAAAGCAGAAAGAAAGCATCACATTTCAGGATGGTTT-3'

ClinVar aggregate classification (germline): Uncertain significance. Review status: criteria provided, single submitter (1 of 4 stars). 2 submissions from 2 submitters: Uncertain significance (1). 1 of the submissions does not count toward it. Last evaluated 2024-09-16.

Conditions:
CSMD1-related disorder. Also called: CSMD1-related condition.

Submissions (2):

Blueprint Genetics
Classification: Uncertain significance. Last evaluated: 2024-09-16. Review status: criteria provided, single submitter. Criteria: ACMG Guidelines, 2015. Collection method: clinical testing. Allele origin: germline.

PreventionGenetics, part of Exact Sciences
Classification: Uncertain significance for CSMD1-related condition. Last evaluated: 2024-08-15. Review status: no assertion criteria provided. Collection method: clinical testing. Allele origin: germline. Not counted in ClinVar's aggregate classification.
Comment: The CSMD1 c.624C>A variant is predicted to result in premature protein termination (p.Cys208*). To our knowledge, this variant has not been reported in the literature or in a large population database, indicating this variant is rare. Loss of function is not an established mechanism of CSMD1-related disease. Although we suspect that this variant may be pathogenic, at this time, the clinical significance of this variant is uncertain due to the absence of conclusive functional and genetic evidence.